The following is an entry in ClinVar:

NM_001367624.2(ZNF469):c.2671G>A (p.Val891Met)

Gene: ZNF469 (zinc finger protein 469; plus strand). Cytogenetic location: 16q24.2.
Variant type: single nucleotide variant.
Coding change: c.2671G>A on transcript NM_001367624.2 (MANE Select); coding-DNA position 2671, G replaced by A.
Protein change: p.Val891Met; replaces valine 891 with methionine.
Molecular consequence: missense variant.
Genome position (GRCh38, 1-based): chr16:88,430,141, G>A. VCF-style: chr16-88430141-G-A. GRCh37 (hg19) VCF-style: chr16-88496549-G-A.
Other names: NM_001127464.1:c.2671G>A; short protein forms V891M.
Identifiers: ClinVar variation 2626138 (VCV002626138.2), dbSNP rs753481187, ClinGen allele CA8224792.

ClinVar aggregate classification (germline): Uncertain significance (1 of 4 stars; one submission).

Conditions:
Cardiovascular phenotype. Identifiers: MedGen CN230736.

Allele frequency attached by ClinVar (database versions not stated): ExAC 0.00007.
gnomAD v4.1: 31 of 1,550,116 alleles (0.002%); highest among the groups gnomAD compares: Middle Eastern, 0.15%; no homozygotes.

Submission:

Ambry Genetics
Classification: Uncertain significance for Cardiovascular phenotype. Last evaluated: 2023-09-06. Review status: criteria provided, single submitter. Criteria: Ambry Variant Classification Scheme 2023. Collection method: clinical testing. Allele origin: germline.
Comment: The p.V891M variant (also known as c.2671G>A), located in coding exon 1 of the ZNF469 gene, results from a G to A substitution at nucleotide position 2671. The valine at codon 891 is replaced by methionine, an amino acid with highly similar properties. This amino acid position is conserved. In addition, this alteration is predicted to be tolerated by in silico analysis. Since supporting evidence is limited at this time, the clinical significance of this alteration remains unclear.